The following is an entry in ClinVar:

NM_032578.4(MYPN):c.3618G>T (p.Lys1206Asn)

Gene: MYPN (myopalladin; plus strand). Cytogenetic location: 10q21.3.
Variant type: single nucleotide variant.
Coding change: c.3618G>T on transcript NM_032578.4 (MANE Select); coding-DNA position 3618, G replaced by T.
Protein change: p.Lys1206Asn; replaces lysine 1206 with asparagine.
Molecular consequence: missense variant. On other transcripts: non-coding transcript variant (2).
Genome position (GRCh38, 1-based): chr10:68,201,953, G>T. VCF-style: chr10-68201953-G-T. GRCh37 (hg19) VCF-style: chr10-69961710-G-T.
Other names: c.3618G>T, p.Lys1206Asn (NM_001256267.2); c.2736G>T, p.Lys912Asn (NM_001256268.2); short protein forms K1206N, K912N.
Identifiers: ClinVar variation 1733286 (VCV001733286.3), dbSNP rs756353004, ClinGen allele CA376860255.
Genomic context (GRCh38, chr10:68,201,953, plus strand): 5'-CCACCCCGTGAGACTGGAGTGCCGCGTGATAGGCATGCCCCCACCTGTGTTCTACTGGAA[G>T]AAAGACAATGAGACCATCCCTTGCACCAGAGAGAGGATCAGGTACAGCAGCCACCACATC-3'
Protein context (NP_115967.2, residues 1196-1216): IGMPPPVFYW[Lys1206Asn]KDNETIPCTR

ClinVar aggregate classification (germline): Uncertain significance (1 of 4 stars; one submission).

Conditions:
Cardiovascular phenotype. Identifiers: MedGen CN230736.

Submission:

Ambry Genetics
Classification: Uncertain significance for Cardiovascular phenotype. Last evaluated: 2024-05-03. Review status: criteria provided, single submitter. Criteria: Ambry Variant Classification Scheme 2023. Collection method: clinical testing. Allele origin: germline.
Comment: The p.K1206N variant (also known as c.3618G>T), located in coding exon 17 of the MYPN gene, results from a G to T substitution at nucleotide position 3618. The lysine at codon 1206 is replaced by asparagine, an amino acid with similar properties. This amino acid position is conserved. In addition, the in silico prediction for this alteration is inconclusive. Since supporting evidence is limited at this time, the clinical significance of this alteration remains unclear.